The following is an entry in ClinVar:

ClinVar aggregate classification (germline): Benign/Likely benign. Review status: criteria provided, multiple submitters, no conflicts (2 of 4 stars). 3 submissions from 3 submitters: Benign (1); Likely benign (2). Last evaluated 2025-05-12.

Conditions:
Familial adenomatous polyposis 1 (FAP1). Also called: FAMILIAL ADENOMATOUS POLYPOSIS 1, ATTENUATED; POLYPOSIS, ADENOMATOUS INTESTINAL. Identifiers: MedGen C2713442, MONDO:0021056, OMIM 175100. Disease mechanism: loss of function.
Hereditary cancer-predisposing syndrome. Also called: Neoplastic Syndromes, Hereditary; Tumor predisposition; Hereditary Cancer Syndrome; Hereditary neoplastic syndrome. Identifiers: Orphanet 140162, MedGen C0027672, MeSH D009386, MONDO:0015356.

Allele frequency attached by ClinVar (database versions not stated): gnomAD exomes below 0.00001; gnomAD 0.00001.
gnomAD v4.1: 7 of 1,607,634 alleles (0.00044%); highest among the groups gnomAD compares: African/African-American, 0.0013%; no homozygotes.

Submissions (3):

Labcorp Genetics (formerly Invitae), Labcorp
Classification: Likely benign for Familial adenomatous polyposis 1. Last evaluated: 2025-05-12. Review status: criteria provided, single submitter. Criteria: Invitae Variant Classification Sherloc (09022015). Collection method: clinical testing. Allele origin: germline.

Myriad Genetics, Inc.
Classification: Benign for Familial adenomatous polyposis 1. Last evaluated: 2024-02-22. Review status: criteria provided, single submitter. Criteria: Myriad Autosomal Dominant, Autosomal Recessive and X-Linked Classification Criteria (2023). Collection method: clinical testing. Allele origin: unknown.
Comment: This variant is considered benign. This variant is a silent/synonymous amino acid change and it is not expected to impact splicing.

Ambry Genetics
Classification: Likely benign for Hereditary cancer-predisposing syndrome. Last evaluated: 2016-01-26. Review status: criteria provided, single submitter. Criteria: Ambry Variant Classification Scheme 2023. Collection method: clinical testing. Allele origin: germline.

NM_000038.6(APC):c.153A>G (p.Leu51=)

Gene: APC (APC regulator of Wnt signaling pathway; plus strand). Cytogenetic location: 5q22.2.
Variant type: single nucleotide variant.
Coding change: c.153A>G on transcript NM_000038.6 (MANE Select); coding-DNA position 153, A replaced by G.
Protein change: p.Leu51=; no amino-acid change (leucine 51 retained).
Molecular consequence: synonymous variant. On other transcripts: 5 prime UTR variant (4).
Genome position (GRCh38, 1-based): chr5:112,766,343, A>G. VCF-style: chr5-112766343-A-G. GRCh37 (hg19) VCF-style: chr5-112102040-A-G.
Other names: c.153A>G, p.Leu51= (NM_001127510.3, NM_001354895.2, NM_001354896.2 and 2 more transcripts); c.183A>G, p.Leu61= (NM_001127511.3, NM_001354897.2, NM_001354902.2); c.78A>G, p.Leu26= (NM_001354898.2, NM_001354904.2); c.-25A>G (NM_001354900.2, NM_001354901.2, NM_001354905.2); c.-883A>G (NM_001354906.2).
Identifiers: ClinVar variation 482295 (VCV000482295.17), dbSNP rs1554069500, ClinGen allele CA445752984.